The following is an entry in ClinVar:

NM_006383.4(CIB2):c.227C>T (p.Ala76Val)

Gene: CIB2 (calcium and integrin binding family member 2; minus strand). Cytogenetic location: 15q25.1.
Variant type: single nucleotide variant.
Coding change: c.227C>T on transcript NM_006383.4 (MANE Select); coding-DNA position 227, C replaced by T.
Protein change: p.Ala76Val; replaces alanine 76 with valine.
Molecular consequence: missense variant. On other transcripts: non-coding transcript variant (1).
Genome position (GRCh38, 1-based): chr15:78,109,354, G>A on the plus strand (C>T on the coding strand, the complement: CIB2 is on the minus strand). VCF-style: chr15-78109354-G-A. GRCh37 (hg19) VCF-style: chr15-78401696-G-A.
Other names: c.227C>T (NM_006383.2); c.98C>T, p.Ala33Val (NM_001271888.2); c.80C>T, p.Ala27Val (NM_001271889.2); c.242C>T, p.Ala81Val (NM_001301224.2); short protein forms A76V, A33V, A27V, A81V.
Identifiers: ClinVar variation 854599 (VCV000854599.7), dbSNP rs147498144, ClinGen allele CA7680264.

ClinVar aggregate classification (germline): Uncertain significance. Review status: criteria provided, multiple submitters, no conflicts (2 of 4 stars). 3 submissions from 3 submitters: Uncertain significance (3). Last evaluated 2025-09-08.

Conditions:
Inborn genetic diseases. Identifiers: MedGen C0950123, MeSH D030342.

Allele frequency attached by ClinVar (database versions not stated): TOPMed 0.00006; ESP Exome Variant Server 0.00008; gnomAD exomes 0.00012 and 0.00016; ExAC 0.00014; gnomAD 0.00015 and 0.00016.
gnomAD v4.1: 205 of 1,613,910 alleles (0.013%); highest among the groups gnomAD compares: Non-Finnish European, 0.0097%; no homozygotes.

Submissions (3):

Labcorp Genetics (formerly Invitae), Labcorp
Classification: Uncertain significance. Last evaluated: 2025-09-08. Review status: criteria provided, single submitter. Criteria: Invitae Variant Classification Sherloc (09022015). Collection method: clinical testing. Allele origin: germline.
Comment: This sequence change replaces alanine, which is neutral and non-polar, with valine, which is neutral and non-polar, at codon 76 of the CIB2 protein (p.Ala76Val). This variant is present in population databases (rs147498144, gnomAD 0.09%), including at least one homozygous and/or hemizygous individual. This variant has not been reported in the literature in individuals affected with CIB2-related conditions. ClinVar contains an entry for this variant (Variation ID: 854599). An algorithm developed to predict the effect of missense changes on protein structure and function (PolyPhen-2) suggests that this variant is likely to be tolerated. In summary, the available evidence is currently insufficient to determine the role of this variant in disease. Therefore, it has been classified as a Variant of Uncertain Significance.

Blueprint Genetics
Classification: Uncertain significance. Last evaluated: 2024-10-16. Review status: criteria provided, single submitter. Criteria: ACMG Guidelines, 2015. Collection method: clinical testing. Allele origin: germline.

Ambry Genetics
Classification: Uncertain significance for Inborn genetic diseases. Last evaluated: 2021-10-12. Review status: criteria provided, single submitter. Criteria: Ambry Variant Classification Scheme 2023. Collection method: clinical testing. Allele origin: germline.